The following is an entry in ClinVar:

NM_000719.7(CACNA1C):c.5785-5C>T

Genes: CACNA1C (calcium voltage-gated channel subunit alpha1 C; plus strand), CACNA1C-AS1 (CACNA1C antisense RNA 1; minus strand). Cytogenetic location: 12p13.33.
Variant type: single nucleotide variant.
Coding change: c.5785-5C>T on transcript NM_000719.7 (MANE Select); 5 bases into the intron before coding-DNA position 5785, C replaced by T.
Molecular consequence: intron variant.
Genome position (GRCh38, 1-based): chr12:2,688,442, C>T. VCF-style: chr12-2688442-C-T. GRCh37 (hg19) VCF-style: chr12-2797608-C-T.
Other names: c.5890-5C>T (NM_001167624.3, NM_001129830.3); c.5785-5C>T (NM_001167623.2, NM_001129840.2, NM_001129842.2 and 2 more transcripts); c.5965-5C>T (NM_001167625.2); c.6034-5C>T (NM_199460.4); c.5929-5C>T (NM_001129827.2); c.5845-5C>T (NM_001129832.2); c.5869-5C>T (NM_001129831.2); c.5842-5C>T (NM_001129833.2, NM_001129834.2, NM_001129835.2); and 6 more.
Identifiers: ClinVar variation 456984 (VCV000456984.18), dbSNP rs750451768, ClinGen allele CA6389987.

ClinVar aggregate classification (germline): Benign/Likely benign. Review status: criteria provided, multiple submitters, no conflicts (2 of 4 stars). 5 submissions from 5 submitters: Benign (1); Likely benign (3). 1 of the submissions does not count toward it. Last evaluated 2026-01-07.

Conditions:
CACNA1C-related disorder. Also called: CACNA1C-related disorders; CACNA1C-related condition. Identifiers: MedGen CN381092, MONDO:0700321.
Long QT syndrome (LQTS). Identifiers: MedGen C0023976, MeSH D008133, MONDO:0002442. Disease mechanism: loss of function. Inheritance: Various modes of inheritance.
Cardiovascular phenotype. Identifiers: MedGen CN230736.

Allele frequency attached by ClinVar (database versions not stated): ExAC 0.00001; gnomAD 0.00005 and 0.00006; TOPMed 0.00007.
gnomAD v4.1: 39 of 1,613,556 alleles (0.0024%); highest among the groups gnomAD compares: Admixed American, 0.017%; no homozygotes.

Submissions (5):

Labcorp Genetics (formerly Invitae), Labcorp
Classification: Likely benign for Long QT syndrome. Last evaluated: 2026-01-07. Review status: criteria provided, single submitter. Criteria: Invitae Variant Classification Sherloc (09022015). Collection method: clinical testing. Allele origin: germline.

CeGaT Center for Human Genetics Tuebingen
Classification: Likely benign. Last evaluated: 2026-01-01. Review status: criteria provided, single submitter. Criteria: CeGaT Center For Human Genetics Tuebingen Variant Classification Criteria Version 2. Collection method: clinical testing. Allele origin: germline. Affected: yes. Observed: 1 variant allele.
Comment: CACNA1C: BP4

Blueprint Genetics
Classification: Likely benign. Last evaluated: 2024-04-17. Review status: criteria provided, single submitter. Criteria: ACMG Guidelines, 2015. Collection method: clinical testing. Allele origin: germline.

Ambry Genetics
Classification: Benign for Cardiovascular phenotype. Last evaluated: 2022-01-27. Review status: criteria provided, single submitter. Criteria: Ambry Variant Classification Scheme 2023. Collection method: clinical testing. Allele origin: germline.

PreventionGenetics, part of Exact Sciences
Classification: Likely benign for CACNA1C-related condition. Last evaluated: 2021-02-10. Review status: no assertion criteria provided. Collection method: clinical testing. Allele origin: germline. Not counted in ClinVar's aggregate classification.
Comment: This variant is classified as likely benign based on ACMG/AMP sequence variant interpretation guidelines (Richards et al. 2015 PMID: 25741868, with internal and published modifications).